The following is an entry in ClinVar:

NM_178822.5(IGSF10):c.5837C>T (p.Ala1946Val)

Gene: IGSF10 (immunoglobulin superfamily member 10; minus strand). Cytogenetic location: 3q25.1.
Variant type: single nucleotide variant.
Coding change: c.5837C>T on transcript NM_178822.5 (MANE Select); coding-DNA position 5837, C replaced by T.
Protein change: p.Ala1946Val; replaces alanine 1946 with valine.
Molecular consequence: missense variant.
Genome position (GRCh38, 1-based): chr3:151,443,110, G>A on the plus strand (C>T on the coding strand, the complement: IGSF10 is on the minus strand). VCF-style: chr3-151443110-G-A. GRCh37 (hg19) VCF-style: chr3-151160898-G-A.
Other names: c.5837C>T, p.Ala1946Val (NM_001385060.1, NM_001385061.1, NM_001385062.1 and 1 more transcripts); short protein forms A1946V.
Identifiers: ClinVar variation 1391066 (VCV001391066.6), dbSNP rs2108542348, ClinGen allele CA354992703.

ClinVar aggregate classification (germline): Uncertain significance (1 of 4 stars; one submission).

Submission:

Labcorp Genetics (formerly Invitae), Labcorp
Classification: Uncertain significance. Last evaluated: 2022-05-27. Review status: criteria provided, single submitter. Criteria: Invitae Variant Classification Sherloc (09022015). Collection method: clinical testing. Allele origin: germline.
Comment: This sequence change replaces alanine, which is neutral and non-polar, with valine, which is neutral and non-polar, at codon 1946 of the IGSF10 protein (p.Ala1946Val). In summary, the available evidence is currently insufficient to determine the role of this variant in disease. Therefore, it has been classified as a Variant of Uncertain Significance. Algorithms developed to predict the effect of missense changes on protein structure and function are either unavailable or do not agree on the potential impact of this missense change (SIFT: "Tolerated"; PolyPhen-2: "Possibly Damaging"; Align-GVGD: "Class C0"). This variant has not been reported in the literature in individuals affected with IGSF10-related conditions. This variant is not present in population databases (gnomAD no frequency).